The following is an entry in ClinVar:

ClinVar aggregate classification (germline): Uncertain significance. Review status: criteria provided, multiple submitters, no conflicts (2 of 4 stars). 2 submissions from 2 submitters: Uncertain significance (2). Last evaluated 2024-03-24.

Conditions:
Hereditary cancer-predisposing syndrome. Also called: Tumor predisposition; Hereditary Cancer Syndrome; Hereditary neoplastic syndrome; Neoplastic Syndromes, Hereditary. Identifiers: Orphanet 140162, MedGen C0027672, MeSH D009386, MONDO:0015356.
Familial adenomatous polyposis 1 (FAP1). Also called: FAMILIAL ADENOMATOUS POLYPOSIS 1, ATTENUATED; POLYPOSIS, ADENOMATOUS INTESTINAL. Identifiers: MedGen C2713442, MONDO:0021056, OMIM 175100. Disease mechanism: loss of function.

Allele frequency attached by ClinVar (database versions not stated): TOPMed 0.00001.

Submissions (2):

Ambry Genetics
Classification: Uncertain significance for Hereditary cancer-predisposing syndrome. Last evaluated: 2024-03-24. Review status: criteria provided, single submitter. Criteria: Ambry Variant Classification Scheme 2023. Collection method: clinical testing. Allele origin: germline.
Comment: The p.D227Y variant (also known as c.679G>T), located in coding exon 6 of the APC gene, results from a G to T substitution at nucleotide position 679. The aspartic acid at codon 227 is replaced by tyrosine, an amino acid with highly dissimilar properties. This amino acid position is conserved. In addition, in silico predictors for this gene do not accurately predict pathogenicity. Based on the available evidence, the clinical significance of this alteration remains unclear.

Labcorp Genetics (formerly Invitae), Labcorp
Classification: Uncertain significance for Familial adenomatous polyposis 1. Last evaluated: 2021-01-02. Review status: criteria provided, single submitter. Criteria: Invitae Variant Classification Sherloc (09022015). Collection method: clinical testing. Allele origin: germline.
Comment: In summary, the available evidence is currently insufficient to determine the role of this variant in disease. Therefore, it has been classified as a Variant of Uncertain Significance. Algorithms developed to predict the effect of sequence changes on RNA splicing suggest that this variant may create or strengthen a splice site, but this prediction has not been confirmed by published transcriptional studies. Algorithms developed to predict the effect of missense changes on protein structure and function do not agree on the potential impact of this missense change (SIFT: "Tolerated"; PolyPhen-2: "Possibly Damaging"; Align-GVGD: "Class C0"). This variant has not been reported in the literature in individuals with APC-related disease. This variant is not present in population databases (ExAC no frequency). This sequence change replaces aspartic acid with tyrosine at codon 227 of the APC protein (p.Asp227Tyr). The aspartic acid residue is moderately conserved and there is a large physicochemical difference between aspartic acid and tyrosine.

NM_000038.6(APC):c.679G>T (p.Asp227Tyr)

Gene: APC (APC regulator of Wnt signaling pathway; plus strand). Cytogenetic location: 5q22.2.
Variant type: single nucleotide variant.
Coding change: c.679G>T on transcript NM_000038.6 (MANE Select); coding-DNA position 679, G replaced by T.
Protein change: p.Asp227Tyr; replaces aspartic acid 227 with tyrosine.
Molecular consequence: missense variant. On other transcripts: 5 prime UTR variant (1), intron variant (2).
Genome position (GRCh38, 1-based): chr5:112,792,479, G>T. VCF-style: chr5-112792479-G-T. GRCh37 (hg19) VCF-style: chr5-112128176-G-T.
Other names: c.679G>T, p.Asp227Tyr (NM_001127510.3, NM_001354895.2, NM_001354896.2 and 1 more transcripts); c.709G>T, p.Asp237Tyr (NM_001354897.2, NM_001354902.2); c.604G>T, p.Asp202Tyr (NM_001354898.2, NM_001354904.2); c.502G>T, p.Asp168Tyr (NM_001354900.2, NM_001354901.2, NM_001354905.2); c.-357G>T (NM_001354906.2); c.676-8800G>T (NM_001127511.3); c.646-8800G>T (NM_001354899.2); short protein forms D227Y, D168Y, D237Y, D202Y.
Identifiers: ClinVar variation 537449 (VCV000537449.11), dbSNP rs1554074749, ClinGen allele CA16022823.